The following is an entry in ClinVar:

NM_000540.3(RYR1):c.14868+6T>A

Gene: RYR1 (ryanodine receptor 1; plus strand). Cytogenetic location: 19q13.2.
Variant type: single nucleotide variant.
Coding change: c.14868+6T>A on transcript NM_000540.3 (MANE Select); 6 bases into the intron after coding-DNA position 14868, T replaced by A.
Molecular consequence: intron variant.
Genome position (GRCh38, 1-based): chr19:38,586,008, T>A. VCF-style: chr19-38586008-T-A. GRCh37 (hg19) VCF-style: chr19-39076648-T-A.
Other names: c.14853+6T>A (NM_001042723.2).
Identifiers: ClinVar variation 478202 (VCV000478202.8), dbSNP rs759934562, ClinGen allele CA061744.
Genomic context (GRCh38, chr19:38,586,008, plus strand): 5'-CGACGCTTTTGGTGAGCTCCGAGACCAACAAGAGCAAGTGAAGGAGGATATGGAGGTAGG[T>A]CATGTCTGGGGGTGACCCAGAGGGATTACGGGATTCAGGGGGTCAAGTGGGCCTCCACTC-3'

ClinVar aggregate classification (germline): Uncertain significance. Review status: criteria provided, multiple submitters, no conflicts (2 of 4 stars). 3 submissions from 3 submitters: Uncertain significance (2). 1 of the submissions does not count toward it. Last evaluated 2025-02-13.

Conditions:
RYR1-related disorder. Also called: RYR1-related condition; RYR1-related disorders. Identifiers: MedGen CN239331.
Malignant hyperthermia, susceptibility to, 1 (MHS1). Also called: Anesthesia related hyperthermia; Malignant hyperpyrexia; Fulminating hyperpyrexia; Pharmacogenic myopathy; Malignant hyperthermia suceptibility 1; RYR1-Related Malignant Hyperthermia Susceptibility. Identifiers: Orphanet 423, MedGen C2930980, MONDO:0007783, OMIM 145600.

Allele frequency attached by ClinVar (database versions not stated): ExAC 0.00002; TOPMed 0.00003; gnomAD 0.00005 and 0.00006; gnomAD exomes 0.00005 and 0.00009.
gnomAD v4.1: 129 of 1,613,676 alleles (0.008%); highest among the groups gnomAD compares: Non-Finnish European, 0.011%; 1 homozygote.

Submissions (3):

Labcorp Genetics (formerly Invitae), Labcorp
Classification: Uncertain significance for RYR1-related disorder. Last evaluated: 2025-02-13. Review status: criteria provided, single submitter. Criteria: Invitae Variant Classification Sherloc (09022015). Collection method: clinical testing. Allele origin: germline.
Comment: This sequence change falls in intron 103 of the RYR1 gene. It does not directly change the encoded amino acid sequence of the RYR1 protein. It affects a nucleotide within the consensus splice site. This variant is present in population databases (rs759934562, gnomAD 0.01%). This variant has not been reported in the literature in individuals affected with RYR1-related conditions. ClinVar contains an entry for this variant (Variation ID: 478202). Variants that disrupt the consensus splice site are a relatively common cause of aberrant splicing (PMID: 17576681, 9536098). Algorithms developed to predict the effect of sequence changes on RNA splicing suggest that this variant is not likely to affect RNA splicing. In summary, the available evidence is currently insufficient to determine the role of this variant in disease. Therefore, it has been classified as a Variant of Uncertain Significance.

Color Diagnostics, LLC DBA Color Health
Classification: Uncertain significance for Malignant hyperthermia, susceptibility to, 1. Last evaluated: 2024-02-02. Review status: criteria provided, single submitter. Criteria: ACMG Guidelines, 2015. Collection method: clinical testing. Allele origin: germline.
Comment: This variant causes a T to A nucleotide substitution at the +6 position of intron 103 of the RYR1 gene. To our knowledge, RNA studies have not been reported for this variant. This variant has not been reported in individuals affected with RYR1-related disorders in the literature. This variant has been identified in 13/282784 chromosomes in the general population by the Genome Aggregation Database (gnomAD). The available evidence is insufficient to determine the role of this variant in disease conclusively. Therefore, this variant is classified as a Variant of Uncertain Significance.

PreventionGenetics, part of Exact Sciences
Classification: Likely benign for RYR1-related condition. Last evaluated: 2019-08-21. Review status: no assertion criteria provided. Collection method: clinical testing. Allele origin: germline. Not counted in ClinVar's aggregate classification.
Comment: This variant is classified as likely benign based on ACMG/AMP sequence variant interpretation guidelines (Richards et al. 2015 PMID: 25741868, with internal and published modifications).

Literature cited by the submitters: PubMed 17576681 (cited by Labcorp Genetics (formerly Invitae), Labcorp); PubMed 9536098 (cited by Labcorp Genetics (formerly Invitae), Labcorp).